The following is an entry in ClinVar:

ClinVar aggregate classification (germline): Uncertain significance (1 of 4 stars; one submission).

Conditions:
Charcot-Marie-Tooth disease axonal type 2Z. Also called: CHARCOT-MARIE-TOOTH DISEASE, AXONAL, AUTOSOMAL DOMINANT, TYPE 2Z; CHARCOT-MARIE-TOOTH NEUROPATHY, TYPE 2Z. Identifiers: Orphanet 466768, MedGen C5569025, MONDO:0014736, OMIM 616688.

Submission:

Institute of Human Genetics, University of Leipzig Medical Center
Classification: Uncertain significance for Charcot-Marie-Tooth disease axonal type 2Z. Last evaluated: 2022-03-30. Review status: criteria provided, single submitter. Criteria: ACMG Guidelines, 2015. Collection method: clinical testing. Allele origin: unknown. Affected: yes.
Comment: _x000D_ Criteria applied: PM2_SUP, PP2, PP3

NM_001303256.3(MORC2):c.996G>T (p.Leu332Phe)

Gene: MORC2 (MORC family CW-type zinc finger 2; minus strand). Cytogenetic location: 22q12.2.
Variant type: single nucleotide variant.
Coding change: c.996G>T on transcript NM_001303256.3 (MANE Select); coding-DNA position 996, G replaced by T.
Protein change: p.Leu332Phe; replaces leucine 332 with phenylalanine.
Molecular consequence: missense variant.
Genome position (GRCh38, 1-based): chr22:30,939,698, C>A on the plus strand (G>T on the coding strand, the complement: MORC2 is on the minus strand). VCF-style: chr22-30939698-C-A. GRCh37 (hg19) VCF-style: chr22-31335685-C-A.
Other names: c.996G>T, p.Leu332Phe (NM_001303257.2); c.810G>T, p.Leu270Phe (NM_014941.3); short protein forms L270F, L332F.
Identifiers: ClinVar variation 1679149 (VCV001679149.1), dbSNP rs769996010, ClinGen allele CA411239882.